The following is an entry in ClinVar:

ClinVar aggregate classification (germline): Uncertain significance (1 of 4 stars; one submission).

Conditions:
Familial meningioma. Also called: Meningioma, familial, susceptibility to. Identifiers: Orphanet 263662, MedGen C3551915, MONDO:0011789, OMIM 607174.

Submission:

Labcorp Genetics (formerly Invitae), Labcorp
Classification: Uncertain significance for Familial meningioma. Last evaluated: 2020-11-14. Review status: criteria provided, single submitter. Criteria: Invitae Variant Classification Sherloc (09022015). Collection method: clinical testing. Allele origin: germline.
Comment: In summary, the available evidence is currently insufficient to determine the role of this variant in disease. Therefore, it has been classified as a Variant of Uncertain Significance. This sequence change replaces phenylalanine with leucine at codon 266 of the SMARCE1 protein (p.Phe266Leu). The phenylalanine residue is highly conserved and there is a small physicochemical difference between phenylalanine and leucine. This variant is not present in population databases (ExAC no frequency). This variant has not been reported in the literature in individuals with SMARCE1-related conditions. Algorithms developed to predict the effect of missense changes on protein structure and function are either unavailable or do not agree on the potential impact of this missense change (SIFT: "Deleterious"; PolyPhen-2: "Benign"; Align-GVGD: "Class C15").

NM_003079.5(SMARCE1):c.796T>C (p.Phe266Leu)

Gene: SMARCE1 (SWI/SNF related BAF chromatin remodeling complex subunit E1; minus strand). Cytogenetic location: 17q21.2.
Variant type: single nucleotide variant.
Coding change: c.796T>C on transcript NM_003079.5 (MANE Select); coding-DNA position 796, T replaced by C.
Protein change: p.Phe266Leu; replaces phenylalanine 266 with leucine.
Molecular consequence: missense variant.
Genome position (GRCh38, 1-based): chr17:40,631,612, A>G on the plus strand (T>C on the coding strand, the complement: SMARCE1 is on the minus strand). VCF-style: chr17-40631612-A-G. GRCh37 (hg19) VCF-style: chr17-38787864-A-G.
Other names: short protein forms F266L.
Identifiers: ClinVar variation 1499216 (VCV001499216.8), dbSNP rs2143986878, ClinGen allele CA399364211.
Genomic context (GRCh38, chr17:40,631,612, plus strand): 5'-GTATAGTGATAAAAGTATAGTTAACATATTAAACAGATACCCTTTTAAGTTCATTGTTAA[A>G]TGAATCTGTGCTTTCCAGGAATTTCCTCTTCTTCTCCTGGTGTCGTTCCTCTATTTGAAG-3'
Protein context (NP_003070.3, residues 256-276): KRKFLESTDS[Phe266Leu]NNELKRLCGL